The following is an entry in ClinVar:

ClinVar aggregate classification (germline): Uncertain significance. Review status: criteria provided, multiple submitters, no conflicts (2 of 4 stars). 3 submissions from 3 submitters: Uncertain significance (3). Last evaluated 2025-08-20.

Conditions:
Van Maldergem syndrome 2 (VMLDS2). Identifiers: Orphanet 314679, MedGen C3809875, MONDO:0014242, OMIM 615546.
Hennekam lymphangiectasia-lymphedema syndrome 2 (HKLLS2). Identifiers: Orphanet 2136, MedGen C4014939, MONDO:0014454, OMIM 616006.

Allele frequency attached by ClinVar (database versions not stated): TOPMed 0.00004; 1000 Genomes Project 30x 0.00062; gnomAD 0.00001 and 0.00003; 1000 Genomes Project 0.00040.
gnomAD v4.1: 29 of 1,614,088 alleles (0.0018%); highest among the groups gnomAD compares: Admixed American, 0.028%; no homozygotes.

Submissions (3):

Clinical Genomics Laboratory, Washington University in St. Louis
Classification: Uncertain significance for Hennekam lymphangiectasia-lymphedema syndrome 2; Van Maldergem syndrome 2. Last evaluated: 2025-08-20. Review status: criteria provided, single submitter. Criteria: ACMG Guidelines, 2015. Collection method: clinical testing. Allele origin: germline.
Comment: A FAT4 c.14376A>C (p.Glu4792Asp) variant was identified at a heterozygous allelic fraction of 49.9%, a frequency which may be consistent with it being of germline origin. This variant, to our knowledge, has not been reported in the medical literature. It is observed in 29/1,614,088 alleles in the general population (gnomAD v4.1.0). This variant has been reported in the ClinVar database as a germline variant of uncertain significance by two submitters (ClinVar Variation ID: 1490379). Computational predictors are uncertain as to the impact of this variant on FAT4 function. Due to limited information, and based on ACMG/AMP guidelines for variant interpretation (Richards S et al., PMID: 25741868), the clinical significance of FAT4 c.14376A>C (p.Glu4792Asp) variant is uncertain at this time.

Fulgent Genetics
Classification: Uncertain significance for Van Maldergem syndrome 2; Hennekam lymphangiectasia-lymphedema syndrome 2. Last evaluated: 2024-04-19. Review status: criteria provided, single submitter. Criteria: ACMG Guidelines, 2015. Collection method: clinical testing. Allele origin: germline.

Labcorp Genetics (formerly Invitae), Labcorp
Classification: Uncertain significance. Last evaluated: 2023-10-03. Review status: criteria provided, single submitter. Criteria: Invitae Variant Classification Sherloc (09022015). Collection method: clinical testing. Allele origin: germline.
Comment: This sequence change replaces glutamic acid, which is acidic and polar, with aspartic acid, which is acidic and polar, at codon 4790 of the FAT4 protein (p.Glu4790Asp). This variant is present in population databases (rs200724983, gnomAD 0.003%). This variant has not been reported in the literature in individuals affected with FAT4-related conditions. ClinVar contains an entry for this variant (Variation ID: 1490379). An algorithm developed to predict the effect of missense changes on protein structure and function (PolyPhen-2) suggests that this variant is likely to be disruptive. In summary, the available evidence is currently insufficient to determine the role of this variant in disease. Therefore, it has been classified as a Variant of Uncertain Significance.

NM_001291303.3(FAT4):c.14376A>C (p.Glu4792Asp)

Gene: FAT4 (FAT atypical cadherin 4; plus strand). Cytogenetic location: 4q28.1.
Variant type: single nucleotide variant.
Coding change: c.14376A>C on transcript NM_001291303.3 (MANE Select); coding-DNA position 14376, A replaced by C.
Protein change: p.Glu4792Asp; replaces glutamic acid 4792 with aspartic acid.
Molecular consequence: missense variant.
Genome position (GRCh38, 1-based): chr4:125,491,192, A>C. VCF-style: chr4-125491192-A-C. GRCh37 (hg19) VCF-style: chr4-126412347-A-C.
Other names: c.14373A>C, p.Glu4791Asp (NM_001291285.3); c.14370A>C, p.Glu4790Asp (NM_024582.6); c.14370A>C (NM_024582.5); short protein forms E4791D, E4790D, E4792D.
Identifiers: ClinVar variation 1490379 (VCV001490379.6), dbSNP rs200724983, ClinGen allele CA3074550.